The following is an entry in ClinVar:

ClinVar aggregate classification (germline): Uncertain significance (1 of 4 stars; one submission).

gnomAD v4.1: 1 of 1,614,006 alleles (0.000062%); highest among the groups gnomAD compares: Admixed American, 0.0017%; no homozygotes.

Submission:

Labcorp Genetics (formerly Invitae), Labcorp
Classification: Uncertain significance. Last evaluated: 2022-10-17. Review status: criteria provided, single submitter. Criteria: Invitae Variant Classification Sherloc (09022015). Collection method: clinical testing. Allele origin: germline.
Comment: This sequence change replaces glycine, which is neutral and non-polar, with valine, which is neutral and non-polar, at codon 2575 of the FAT1 protein (p.Gly2575Val). This variant is not present in population databases (gnomAD no frequency). This variant has not been reported in the literature in individuals affected with FAT1-related conditions. Algorithms developed to predict the effect of missense changes on protein structure and function (SIFT, PolyPhen-2, Align-GVGD) all suggest that this variant is likely to be disruptive. In summary, the available evidence is currently insufficient to determine the role of this variant in disease. Therefore, it has been classified as a Variant of Uncertain Significance.

NM_005245.4(FAT1):c.7724G>T (p.Gly2575Val)

Gene: FAT1 (FAT atypical cadherin 1; minus strand). Cytogenetic location: 4q35.2.
Variant type: single nucleotide variant.
Coding change: c.7724G>T on transcript NM_005245.4 (MANE Select); coding-DNA position 7724, G replaced by T.
Protein change: p.Gly2575Val; replaces glycine 2575 with valine.
Molecular consequence: missense variant.
Genome position (GRCh38, 1-based): chr4:186,618,862, C>A on the plus strand (G>T on the coding strand, the complement: FAT1 is on the minus strand). VCF-style: chr4-186618862-C-A. GRCh37 (hg19) VCF-style: chr4-187540016-C-A.
Other names: short protein forms G2575V.
Identifiers: ClinVar variation 1978643 (VCV001978643.4), dbSNP rs1739867667, ClinGen allele CA358964231.